The following is an entry in ClinVar:

ClinVar aggregate classification (germline): Uncertain significance (1 of 4 stars; one submission).

Conditions:
Hereditary cancer-predisposing syndrome. Also called: Neoplastic Syndromes, Hereditary; Tumor predisposition; Hereditary Cancer Syndrome; Hereditary neoplastic syndrome. Identifiers: Orphanet 140162, MedGen C0027672, MeSH D009386, MONDO:0015356.

Allele frequency attached by ClinVar (database versions not stated): gnomAD exomes 0.00001.
gnomAD v4.1: 4 of 1,613,104 alleles (0.00025%); highest among the groups gnomAD compares: Admixed American, 0.0017%; no homozygotes.

Submission:

Ambry Genetics
Classification: Uncertain significance for Hereditary cancer-predisposing syndrome. Last evaluated: 2023-03-14. Review status: criteria provided, single submitter. Criteria: Ambry Variant Classification Scheme 2023. Collection method: clinical testing. Allele origin: germline.
Comment: The p.T174A variant (also known as c.520A>G), located in coding exon 5 of the MRE11A gene, results from an A to G substitution at nucleotide position 520. The threonine at codon 174 is replaced by alanine, an amino acid with similar properties. This amino acid position is well conserved in available vertebrate species. In addition, the in silico prediction for this alteration is inconclusive. Since supporting evidence is limited at this time, the clinical significance of this alteration remains unclear.

NM_005591.4(MRE11):c.520A>G (p.Thr174Ala)

Gene: MRE11 (MRE11 double strand break repair nuclease; minus strand). Cytogenetic location: 11q21.
Variant type: single nucleotide variant.
Coding change: c.520A>G on transcript NM_005591.4 (MANE Select); coding-DNA position 520, A replaced by G.
Protein change: p.Thr174Ala; replaces threonine 174 with alanine.
Molecular consequence: missense variant.
Genome position (GRCh38, 1-based): chr11:94,478,759, T>C on the plus strand (A>G on the coding strand, the complement: MRE11 is on the minus strand). VCF-style: chr11-94478759-T-C. GRCh37 (hg19) VCF-style: chr11-94211925-T-C.
Other names: c.520A>G, p.Thr174Ala (NM_001330347.2, NM_005590.4); short protein forms T174A.
Identifiers: ClinVar variation 1800227 (VCV001800227.3), dbSNP rs2496554989, ClinGen allele CA382377306.